The following is an entry in ClinVar:

NM_018941.4(CLN8):c.779C>T (p.Pro260Leu)

Gene: CLN8 (CLN8 transmembrane ER and ERGIC protein; plus strand). Cytogenetic location: 8p23.3.
Variant type: single nucleotide variant.
Coding change: c.779C>T on transcript NM_018941.4 (MANE Select); coding-DNA position 779, C replaced by T.
Protein change: p.Pro260Leu; replaces proline 260 with leucine.
Molecular consequence: missense variant.
Genome position (GRCh38, 1-based): chr8:1,780,485, C>T. VCF-style: chr8-1780485-C-T. GRCh37 (hg19) VCF-style: chr8-1728651-C-T.
Other names: p.P260L:CCG>CTG; p.Pro260Leu; short protein forms P260L.
Identifiers: ClinVar variation 205196 (VCV000205196.45), dbSNP rs146579299, ClinGen allele CA314020.

ClinVar aggregate classification (germline): Conflicting classifications of pathogenicity. Review status: criteria provided, conflicting classifications (1 of 4 stars). 13 submissions from 13 submitters: Likely pathogenic (1); Uncertain significance (5); Likely benign (4). 3 of the submissions do not count toward it. Last evaluated 2026-01-27.

Conditions:
Inborn genetic diseases. Identifiers: MedGen C0950123, MeSH D030342.
Neuronal ceroid lipofuscinosis 8 northern epilepsy variant. Also called: EPILEPSY, PROGRESSIVE, WITH MENTAL RETARDATION; NORTHERN EPILEPSY. Identifiers: Orphanet 1947, MedGen C1864923, MONDO:0012391, OMIM 610003.
Neuronal ceroid lipofuscinosis 8 (CLN8). Also called: CLN8-Related Neuronal Ceroid-Lipofuscinosis. Identifiers: Orphanet 168491, Orphanet 228354, Orphanet 79264, MedGen C1838570, MONDO:0010830, OMIM 600143.
Neuronal ceroid lipofuscinosis. Also called: Neuronal Ceroid Lipofuscinoses. Identifiers: Orphanet 216, Orphanet 79263, MedGen C0027877, MONDO:0016295. Disease mechanism: loss of function.

Allele frequency attached by ClinVar (database versions not stated): gnomAD exomes 0.00010 and 0.00023; ExAC 0.00026; ESP Exome Variant Server 0.00038; gnomAD 0.00066 and 0.00068; TOPMed 0.00081; 1000 Genomes Project 30x 0.00094; 1000 Genomes Project 0.00120.
gnomAD v4.1: 257 of 1,614,194 alleles (0.016%); highest among the groups gnomAD compares: African/African-American, 0.27%; no homozygotes.

Submissions (13):

GeneDx
Classification: Uncertain significance. Last evaluated: 2026-01-27. Review status: criteria provided, single submitter. Criteria: GeneDx Variant Classification Process June 2021. Collection method: clinical testing. Allele origin: germline. Affected: yes.
Comment: Reported previously with a second variant in a patient with malnutrition, developmental delay, absent speech, severe intellectual disability, epilepsy, and cerebellar and cerebral atrophy (PMID: 38751748); Reported previously with a second variant in siblings with adult-onset nyctalopia (PMID: 36912596); In silico analysis supports that this missense variant has a deleterious effect on protein structure/function; This variant is associated with the following publications: (PMID: 36912596, 38751748, 32348865)

Labcorp Genetics (formerly Invitae), Labcorp
Classification: Likely benign for Neuronal ceroid lipofuscinosis. Last evaluated: 2026-01-27. Review status: criteria provided, single submitter. Criteria: Invitae Variant Classification Sherloc (09022015). Collection method: clinical testing. Allele origin: germline.

CeGaT Center for Human Genetics Tuebingen
Classification: Uncertain significance. Last evaluated: 2025-02-01. Review status: criteria provided, single submitter. Criteria: CeGaT Center For Human Genetics Tuebingen Variant Classification Criteria Version 2. Collection method: clinical testing. Allele origin: germline. Affected: yes. Observed: 1 variant allele.
Comment: CLN8: PM2, PM3:Supporting

Blueprint Genetics
Classification: Likely benign. Last evaluated: 2024-11-14. Review status: criteria provided, single submitter. Criteria: ACMG Guidelines, 2015. Collection method: clinical testing. Allele origin: germline.

Women's Health and Genetics/Laboratory Corporation of America, LabCorp
Classification: Likely benign. Last evaluated: 2024-08-05. Review status: criteria provided, single submitter. Criteria: LabCorp Variant Classification Summary - May 2015. Collection method: clinical testing. Allele origin: germline.
Comment: Variant summary: CLN8 c.779C>T (p.Pro260Leu) results in a non-conservative amino acid change in the encoded protein sequence. Four of five in-silico tools predict a damaging effect of the variant on protein function. The variant allele was found at a frequency of 0.00023 in 251410 control chromosomes, predominantly at a frequency of 0.0026 within the African or African-American subpopulation in the gnomAD database. The observed variant frequency within African or African-American control individuals in the gnomAD database is approximately 3 fold of the estimated maximal expected allele frequency for a pathogenic variant in CLN8 causing Neuronal Ceroid-Lipofuscinosis (Batten Disease) phenotype (0.00087). c.779C>T has been reported in the literature in two individuals affected with retinal dystrophy, without strong evidence for causality (Kolesnikova_2023). These report(s) do not provide unequivocal conclusions about association of the variant with Neuronal Ceroid-Lipofuscinosis (Batten Disease). To our knowledge, no experimental evidence demonstrating an impact on protein function has been reported. The following publication has been ascertained in the context of this evaluation (PMID: 36912596). ClinVar contains an entry for this variant (Variation ID: 205196). Based on the evidence outlined above, the variant was classified as likely benign.

Bioinformatics Unit, Institut Pasteur de Montevideo
Classification: Likely pathogenic for Neuronal ceroid lipofuscinosis 8; Neuronal ceroid lipofuscinosis 8 northern epilepsy variant. Last evaluated: 2024-02-29. Review status: criteria provided, single submitter. Criteria: ACMG Guidelines, 2015. Collection method: clinical testing. Allele origin: germline. Inheritance: Autosomal recessive inheritance. Affected: yes. Observed: 1 compound heterozygote.
Comment: The two variants found can be classified as likely pathogenic according to ACMG criteria: i. Pro260Leu missense variant has low frequency (PM2), detected in trans with another likely pathogenic mutation (PM3), is a missense variant in a gene where missense variants are a common mechanism of disease (PP2). Additionally, multiple lines of evidence of computational in silico scores support a deleterious effect (PP3), the patient's phenotype is highly specific for a disease with a single gene etiology (PP4). Hence, 2 PM and 3 PP, leads to a likely pathogenic classification; ii. Val261Ala missense variant can also be classified as likely pathogenic with the same rules applied. We have identified the two variants in compound heterozygosity with additional data to consider them as likely pathogenic mutations.

Ambry Genetics
Classification: Likely benign for Inborn genetic diseases. Last evaluated: 2024-02-05. Review status: criteria provided, single submitter. Criteria: Ambry Variant Classification Scheme 2023. Collection method: clinical testing. Allele origin: germline.

Mayo Clinic Laboratories, Mayo Clinic
Classification: Uncertain significance. Last evaluated: 2023-04-21. Review status: criteria provided, single submitter. Criteria: ACMG Guidelines, 2015. Collection method: clinical testing. Allele origin: germline. Observed: 3 variant alleles.
Comment: BS1

Mendelics
Classification: Uncertain significance. Last evaluated: 2022-05-04. Review status: criteria provided, single submitter. Criteria: Mendelics Assertion Criteria 2019. Collection method: clinical testing. Allele origin: germline.

Center for Genomics, Ann and Robert H. Lurie Children's Hospital of Chicago
Classification: Uncertain significance for Neuronal ceroid lipofuscinosis 8 northern epilepsy variant; Neuronal ceroid lipofuscinosis 8. Review status: criteria provided, single submitter. Criteria: ACMG Guidelines, 2015. Collection method: clinical testing. Allele origin: germline.
Comment: CLN8 NM_018941 exon 3 p.Pro260Leu (c.779C>T): This variant has not been reported in the literature but is present in 64/24030 African individuals in the Genome Aggregation Database. This variant is present in ClinVar (Variation ID:205196). Evolutionary conservation and computational predictive tools for this variant are unclear. In summary, data on this variant is insufficient for disease classification. Therefore, the clinical significance of this variant is uncertain

Natera, Inc.
Classification: Uncertain significance for Neuronal ceroid lipofuscinosis 8. Last evaluated: 2020-06-25. Review status: no assertion criteria provided. Collection method: clinical testing. Allele origin: germline. Not counted in ClinVar's aggregate classification.

Clinical Genetics DNA and cytogenetics Diagnostics Lab, Erasmus MC, Erasmus Medical Center
Classification: Uncertain significance. Review status: no assertion criteria provided. Collection method: clinical testing. Allele origin: germline. Affected: yes. Study: VKGL Data-share Consensus. Not counted in ClinVar's aggregate classification.

Genome Diagnostics Laboratory, Amsterdam University Medical Center
Classification: Uncertain significance. Review status: no assertion criteria provided. Collection method: clinical testing. Allele origin: germline. Affected: yes. Study: VKGL Data-share Consensus. Not counted in ClinVar's aggregate classification.

Literature cited by the submitters: PubMed 36912596 (cited by Women's Health and Genetics/Laboratory Corporation of America, LabCorp and Mayo Clinic Laboratories, Mayo Clinic); PubMed 32348865 (cited by Mayo Clinic Laboratories, Mayo Clinic); PubMed 38751748 (cited by Mayo Clinic Laboratories, Mayo Clinic).